The following is an entry in ClinVar:

NM_052989.3(IFT122):c.536T>G (p.Ile179Arg)

Gene: IFT122 (intraflagellar transport 122; plus strand). Cytogenetic location: 3q21.3.
Variant type: single nucleotide variant.
Coding change: c.536T>G on transcript NM_052989.3 (MANE Select); coding-DNA position 536, T replaced by G.
Protein change: p.Ile179Arg; replaces isoleucine 179 with arginine.
Molecular consequence: missense variant.
Genome position (GRCh38, 1-based): chr3:129,464,754, T>G. VCF-style: chr3-129464754-T-G. GRCh37 (hg19) VCF-style: chr3-129183597-T-G.
Other names: c.689T>G, p.Ile230Arg (NM_001280541.2, NM_052985.4); c.86T>G, p.Ile29Arg (NM_001280545.2, NM_001280546.2); c.536T>G, p.Ile179Arg (NM_018262.4); c.380T>G, p.Ile127Arg (NM_052990.3); short protein forms I127R, I179R, I230R, I29R.
Identifiers: ClinVar variation 1702447 (VCV001702447.6), dbSNP rs769527595, ClinGen allele CA2605906.

ClinVar aggregate classification (germline): Uncertain significance. Review status: criteria provided, multiple submitters, no conflicts (2 of 4 stars). 2 submissions from 2 submitters: Uncertain significance (2). Last evaluated 2023-12-17.

Conditions:
Cranioectodermal dysplasia 1 (CED1). Also called: LEVIN SYNDROME I. Identifiers: Orphanet 1515, MedGen C0432235, MONDO:0021093, OMIM 218330.
Connective tissue disorder. Also called: Connective tissue disease. Identifiers: MedGen C0009782, MONDO:0003900.

Allele frequency attached by ClinVar (database versions not stated): gnomAD exomes below 0.00001; ExAC 0.00001.
gnomAD v4.1: 2 of 1,614,110 alleles (0.00012%); highest among the groups gnomAD compares: East Asian, 0.0045%; no homozygotes.

Submissions (2):

Labcorp Genetics (formerly Invitae), Labcorp
Classification: Uncertain significance for Cranioectodermal dysplasia 1. Last evaluated: 2023-12-17. Review status: criteria provided, single submitter. Criteria: Invitae Variant Classification Sherloc (09022015). Collection method: clinical testing. Allele origin: germline.
Comment: This sequence change replaces isoleucine, which is neutral and non-polar, with arginine, which is basic and polar, at codon 230 of the IFT122 protein (p.Ile230Arg). This variant is present in population databases (rs769527595, gnomAD 0.006%). This variant has not been reported in the literature in individuals affected with IFT122-related conditions. ClinVar contains an entry for this variant (Variation ID: 1702447). Advanced modeling of protein sequence and biophysical properties (such as structural, functional, and spatial information, amino acid conservation, physicochemical variation, residue mobility, and thermodynamic stability) performed at Invitae indicates that this missense variant is expected to disrupt IFT122 protein function with a positive predictive value of 80%. In summary, the available evidence is currently insufficient to determine the role of this variant in disease. Therefore, it has been classified as a Variant of Uncertain Significance.

Genome Diagnostics Laboratory, The Hospital for Sick Children
Classification: Uncertain significance for Connective tissue disorder. Last evaluated: 2019-06-01. Review status: criteria provided, single submitter. Criteria: ACMG Guidelines, 2015. Collection method: clinical testing. Allele origin: germline.